The following is an entry in ClinVar:

ClinVar aggregate classification (germline): Uncertain significance (1 of 4 stars; one submission).

Conditions:
Muscular dystrophy-dystroglycanopathy (congenital with brain and eye anomalies), type a, 11 (MDDGA11). Also called: WALKER-WARBURG SYNDROME OR MUSCLE-EYE-BRAIN DISEASE, B3GALNT2-RELATED; Muscular dystrophy-dystroglycanopathy (congenital with brain and eye anomalies, type A, 11; Congenital muscular dystrophy-dystroglycanopathy with brain and eye anomalies, type A11. Identifiers: Orphanet 588, Orphanet 899, MedGen C3554638, MONDO:0014071, OMIM 615181.

Submission:

Labcorp Genetics (formerly Invitae), Labcorp
Classification: Uncertain significance for Muscular dystrophy-dystroglycanopathy (congenital with brain and eye anomalies), type a, 11. Last evaluated: 2022-02-09. Review status: criteria provided, single submitter. Criteria: Invitae Variant Classification Sherloc (09022015). Collection method: clinical testing. Allele origin: germline.
Comment: This sequence change replaces glycine, which is neutral and non-polar, with serine, which is neutral and polar, at codon 35 of the B3GALNT2 protein (p.Gly35Ser). This variant is not present in population databases (gnomAD no frequency). This variant has not been reported in the literature in individuals affected with B3GALNT2-related conditions. Algorithms developed to predict the effect of missense changes on protein structure and function output the following: SIFT: "Tolerated"; PolyPhen-2: "Benign"; Align-GVGD: "Class C0". The serine amino acid residue is found in multiple mammalian species, which suggests that this missense change does not adversely affect protein function. Algorithms developed to predict the effect of sequence changes on RNA splicing suggest that this variant may create or strengthen a splice site. In summary, the available evidence is currently insufficient to determine the role of this variant in disease. Therefore, it has been classified as a Variant of Uncertain Significance.

NM_152490.5(B3GALNT2):c.103G>A (p.Gly35Ser)

Gene: B3GALNT2 (beta-1,3-N-acetylgalactosaminyltransferase 2; minus strand). Cytogenetic location: 1q42.3.
Variant type: single nucleotide variant.
Coding change: c.103G>A on transcript NM_152490.5 (MANE Select); coding-DNA position 103, G replaced by A.
Protein change: p.Gly35Ser; replaces glycine 35 with serine.
Molecular consequence: missense variant.
Genome position (GRCh38, 1-based): chr1:235,504,150, C>T on the plus strand (G>A on the coding strand, the complement: B3GALNT2 is on the minus strand). VCF-style: chr1-235504150-C-T. GRCh37 (hg19) VCF-style: chr1-235667450-C-T.
Other names: c.103G>A, p.Gly35Ser (NM_001277155.3); short protein forms G35S.
Identifiers: ClinVar variation 1520423 (VCV001520423.8), dbSNP rs1355670872, ClinGen allele CA344936448.